The following is an entry in ClinVar:

ClinVar aggregate classification (germline): Benign. Review status: criteria provided, multiple submitters, no conflicts (2 of 4 stars). 6 submissions from 6 submitters: Benign (3). 3 of the submissions do not count toward it. Last evaluated 2024-11-27.

Submissions (6):

Blueprint Genetics
Classification: Benign. Last evaluated: 2024-11-27. Review status: criteria provided, single submitter. Criteria: ACMG Guidelines, 2015. Collection method: clinical testing. Allele origin: germline.

Mayo Clinic Laboratories, Mayo Clinic
Classification: Benign. Last evaluated: 2023-01-04. Review status: criteria provided, single submitter. Criteria: ACMG Guidelines, 2015. Collection method: clinical testing. Allele origin: germline. Observed: 182 variant alleles.
Comment: BA1

GeneDx
Classification: Benign. Last evaluated: 2021-04-13. Review status: criteria provided, single submitter. Criteria: GeneDx Variant Classification Process June 2021. Collection method: clinical testing. Allele origin: germline. Affected: yes.

Clinical Genetics DNA and cytogenetics Diagnostics Lab, Erasmus MC, Erasmus Medical Center
Classification: Benign. Review status: no assertion criteria provided. Collection method: clinical testing. Allele origin: germline. Affected: yes. Study: VKGL Data-share Consensus. Not counted in ClinVar's aggregate classification.

Diagnostic Laboratory, Department of Genetics, University Medical Center Groningen
Classification: Benign. Review status: no assertion criteria provided. Collection method: clinical testing. Allele origin: germline. Affected: yes. Study: VKGL Data-share Consensus. Not counted in ClinVar's aggregate classification.

Laboratory of Diagnostic Genome Analysis, Leiden University Medical Center (LUMC)
Classification: Likely benign. Review status: no assertion criteria provided. Collection method: clinical testing. Allele origin: germline. Affected: yes. Study: VKGL Data-share Consensus. Not counted in ClinVar's aggregate classification.

NM_001278064.2(GRM1):c.950+8TC[18]

Gene: GRM1 (glutamate metabotropic receptor 1; plus strand). Cytogenetic location: 6q24.3.
Variant type: Microsatellite.
Coding change: c.950+8TC[18] on transcript NM_001278064.2 (MANE Select); 18 copies in a row of the 2-base unit TC starting at c.950+8; the reference has 19 copies in a row; one copy, 2 bases deleted.
Molecular consequence: intron variant.
Genome position (GRCh38, 1-based): chr6:146,159,641-146,159,642, TC deleted; deleting any 2 consecutive bases within chr6:146,159,605-146,159,642 gives the same sequence; the position shown is the placement nearest the transcript's 3' end. VCF-style (leftmost placement, unchanged base first): chr6-146159604-TTC-T. GRCh37 (hg19) VCF-style: chr6-146480740-TTC-T.
Other names: p.?; c.950+8TC[18] (NM_001278065.2, NM_001278066.1, NM_001278067.1); c.950+44_950+45del (NM_001278064.2).
Identifiers: ClinVar variation 1174733 (VCV001174733.10), dbSNP rs72225459, ClinGen allele CA4037145.